The following is an entry in ClinVar:

NM_001375567.1(FOCAD):c.1144C>G (p.Leu382Val)

Gene: FOCAD (focadhesin; plus strand). Cytogenetic location: 9p21.3.
Variant type: single nucleotide variant.
Coding change: c.1144C>G on transcript NM_001375567.1 (MANE Select); coding-DNA position 1144, C replaced by G.
Protein change: p.Leu382Val; replaces leucine 382 with valine.
Molecular consequence: missense variant.
Genome position (GRCh38, 1-based): chr9:20,781,876, C>G. VCF-style: chr9-20781876-C-G. GRCh37 (hg19) VCF-style: chr9-20781875-C-G.
Other names: c.1144C>G, p.Leu382Val (NM_001375568.1, NM_017794.5); c.1039C>G, p.Leu347Val (NM_001375570.1); short protein forms L347V, L382V.
Identifiers: ClinVar variation 3633191 (VCV003633191.2).
Genomic context (GRCh38, chr9:20,781,876, plus strand): 5'-ACTGCCTTGGAAGACTGTATATCTGTGGATGAAGAAGGTCCCTCTAGGCAGCAGTTGGCT[C>G]TAAACCTTTTGGAAATGATACAGCAGGAATGTTACAGAGATGACCACCAAAAGGTAATGA-3'
Protein context (NP_001362496.1, residues 372-392): EEGPSRQQLA[Leu382Val]NLLEMIQQEC

ClinVar aggregate classification (germline): Uncertain significance (1 of 4 stars; one submission).

gnomAD v4.1: 53 of 1,614,046 alleles (0.0033%); highest among the groups gnomAD compares: Non-Finnish European, 0.0042%; no homozygotes.

Submission:

Labcorp Genetics (formerly Invitae), Labcorp
Classification: Uncertain significance. Last evaluated: 2024-07-01. Review status: criteria provided, single submitter. Criteria: Invitae Variant Classification Sherloc (09022015). Collection method: clinical testing. Allele origin: germline.
Comment: This sequence change replaces leucine, which is neutral and non-polar, with valine, which is neutral and non-polar, at codon 382 of the FOCAD protein (p.Leu382Val). This variant is present in population databases (rs746030396, gnomAD 0.004%). This variant has not been reported in the literature in individuals affected with FOCAD-related conditions. Algorithms developed to predict the effect of missense changes on protein structure and function output the following: SIFT: "Not Available"; PolyPhen-2: "Not Available"; Align-GVGD: "Not Available". The valine amino acid residue is found in multiple mammalian species, which suggests that this missense change does not adversely affect protein function. In summary, the available evidence is currently insufficient to determine the role of this variant in disease. Therefore, it has been classified as a Variant of Uncertain Significance.